The following is an entry in ClinVar:

ClinVar aggregate classification (germline): Uncertain significance (1 of 4 stars; one submission).

Conditions:
Inborn genetic diseases. Identifiers: MedGen C0950123, MeSH D030342.

gnomAD v4.1: 4 of 1,613,814 alleles (0.00025%); highest among the groups gnomAD compares: East Asian, 0.0067%; no homozygotes.

Submission:

Ambry Genetics
Classification: Uncertain significance for Inborn genetic diseases. Last evaluated: 2025-11-15. Review status: criteria provided, single submitter. Criteria: Ambry Variant Classification Scheme 2023. Collection method: clinical testing. Allele origin: germline.
Comment: The p.H281R variant (also known as c.842A>G), located in coding exon 8 of the CEP57 gene, results from an A to G substitution at nucleotide position 842. The histidine at codon 281 is replaced by arginine, an amino acid with highly similar properties. This amino acid position is conserved. In addition, the in silico prediction for this alteration is inconclusive. Based on the available evidence, the clinical significance of this variant remains unclear.

NM_014679.5(CEP57):c.842A>G (p.His281Arg)

Gene: CEP57 (centrosomal protein 57; plus strand). Cytogenetic location: 11q21.
Variant type: single nucleotide variant.
Coding change: c.842A>G on transcript NM_014679.5 (MANE Select); coding-DNA position 842, A replaced by G.
Protein change: p.His281Arg; replaces histidine 281 with arginine.
Molecular consequence: missense variant. On other transcripts: intron variant (4).
Genome position (GRCh38, 1-based): chr11:95,822,533, A>G. VCF-style: chr11-95822533-A-G. GRCh37 (hg19) VCF-style: chr11-95555697-A-G.
Other names: c.815A>G, p.His272Arg (NM_001243776.2); c.761A>G, p.His254Arg (NM_001363604.2, NM_001440869.1, NM_001440870.1); c.807+555A>G (NM_001243777.2); c.699+3629A>G (NM_001440874.1); c.690+555A>G (NM_001440876.1); c.582+3629A>G (NM_001440882.1); c.734A>G, p.His245Arg (NM_001440871.1); c.725A>G, p.His242Arg (NM_001440872.1); and 6 more; short protein forms H182R, H218R, H221R, H254R, H281R, H194R, H242R, H272R.
Identifiers: ClinVar variation 4613662 (VCV004613662.1).
Genomic context (GRCh38, chr11:95,822,533, plus strand): 5'-ATTGTTTTCCTTTTCTTTTCATTCAGAAAAGTTCTAGGAACTATTTTGGTGCACAACCAC[A>G]TTATAGATTATGCTTGGGTGATATGCCATTTGTAGCTGGGAAGGTGAGTTGGTCAAACTC-3'
Protein context (NP_055494.2, residues 271-291): SSRNYFGAQP[His281Arg]YRLCLGDMPF